The following is an entry in ClinVar:

ClinVar aggregate classification (germline): Uncertain significance (1 of 4 stars; one submission).

Conditions:
Hereditary cancer-predisposing syndrome. Also called: Neoplastic Syndromes, Hereditary; Tumor predisposition; Hereditary neoplastic syndrome; Hereditary Cancer Syndrome. Identifiers: Orphanet 140162, MedGen C0027672, MeSH D009386, MONDO:0015356.

Submission:

Ambry Genetics
Classification: Uncertain significance for Hereditary cancer-predisposing syndrome. Last evaluated: 2024-04-25. Review status: criteria provided, single submitter. Criteria: Ambry Variant Classification Scheme 2023. Collection method: clinical testing. Allele origin: germline.
Comment: The p.A303P variant (also known as c.907G>C), located in coding exon 8 of the SDHA gene, results from a G to C substitution at nucleotide position 907. The alanine at codon 303 is replaced by proline, an amino acid with highly similar properties. This amino acid position is conserved. In addition, this alteration is predicted to be deleterious by in silico analysis. Based on the available evidence, the clinical significance of this variant remains unclear.

NM_004168.4(SDHA):c.907G>C (p.Ala303Pro)

Gene: SDHA (succinate dehydrogenase complex flavoprotein subunit A; plus strand). Cytogenetic location: 5p15.33.
Variant type: single nucleotide variant.
Coding change: c.907G>C on transcript NM_004168.4 (MANE Select); coding-DNA position 907, G replaced by C.
Protein change: p.Ala303Pro; replaces alanine 303 with proline.
Molecular consequence: missense variant.
Genome position (GRCh38, 1-based): chr5:233,488, G>C. VCF-style: chr5-233488-G-C. GRCh37 (hg19) VCF-style: chr5-233603-G-C.
Other names: c.763G>C, p.Ala255Pro (NM_001294332.2); c.907G>C, p.Ala303Pro (NM_001330758.2); short protein forms A303P, A255P.
Identifiers: ClinVar variation 3316839 (VCV003316839.1).